The following is an entry in ClinVar:

ClinVar aggregate classification (germline): Uncertain significance. Review status: reviewed by expert panel (3 of 4 stars). 2 submissions from 2 submitters: Uncertain significance (1). 1 of the submissions does not count toward it. Last evaluated 2026-03-24.

Conditions:
ABCA4-related retinopathy. Also called: ABCA4 retinoapthy; ABCA4-related retinoapthy. Identifiers: MedGen CN322612, MONDO:0800406.

Submissions (2):

ClinGen ABCA4 Variant Curation Expert Panel, Clingen
Classification: Uncertain significance for ABCA4-related retinopathy. Last evaluated: 2026-03-24. Review status: reviewed by expert panel. Criteria: ClinGen ABCA4 ACMG Specifications V1.0.0. Collection method: curation. Allele origin: germline. Inheritance: Autosomal recessive inheritance.
Comment: The NM_000350.3(ABCA4):c.2588-3del variant in ABCA4 is an intronic variant which is located in intron 16. This variant is absent from gnomAD v4.1.0 meeting PM2_Supporting. The computational splicing predictor SpliceAI gives this variant a delta score of 0.01 for acceptor loss and donor loss, which is below the ClinGen ABCA4 VCEP threshold of <0.1 and does not strongly predict a splicing defect meeting BP4. However, this intronic variant is located within the regions immediately flanking the exon (between +1 and +7 or between -1 and -21), so BP7 is not met. To our knowledge, this variant has not been reported in the literature in any individuals with ABCA4-related retinopathy. In summary, this variant meets the criteria to be classified as a variant of uncertain significance for ABCA4-related retinopathy based on the ACMG/AMP criteria applied, as specified by the ClinGen ABCA4 VCEP Specification Version 1: PM2_Supporting, BP4.

Labcorp Genetics (formerly Invitae), Labcorp
Classification: Benign. Last evaluated: 2025-08-01. Review status: criteria provided, single submitter. Criteria: Invitae Variant Classification Sherloc (09022015). Collection method: clinical testing. Allele origin: germline. Not counted in ClinVar's aggregate classification.

NM_000350.3(ABCA4):c.2588-3del

Gene: ABCA4 (ATP binding cassette subfamily A member 4; minus strand). Cytogenetic location: 1p22.1.
Variant type: Deletion.
Coding change: c.2588-3del on transcript NM_000350.3 (MANE Select); 3 bases into the intron before coding-DNA position 2588, one base deleted (T; older notation c.2588-3delT).
Molecular consequence: intron variant.
Genome position (GRCh38, 1-based): chr1:94,051,701, A deleted on the plus strand (T on the coding strand, the reverse complement: ABCA4 is on the minus strand); the first of 5 consecutive A bases (chr1:94,051,701-94,051,705); deleting any one gives the same sequence. VCF-style (leftmost placement, unchanged base first): chr1-94051700-TA-T. GRCh37 (hg19) VCF-style: chr1-94517256-TA-T.
Identifiers: ClinVar variation 2035105 (VCV002035105.5), dbSNP rs2523805462, ClinGen allele CA2574438532.